The following is an entry in ClinVar:

ClinVar aggregate classification (germline): Uncertain significance (1 of 4 stars; one submission).

gnomAD v4.1: 2 of 1,610,152 alleles (0.00012%); highest among the groups gnomAD compares: Non-Finnish European, 0.00017%; no homozygotes.

Submission:

GeneDx
Classification: Uncertain significance. Last evaluated: 2017-09-07. Review status: criteria provided, single submitter. Criteria: GeneDx Variant Classification (06012015). Collection method: clinical testing. Allele origin: germline. Affected: yes.
Comment: The E1880Q variant in the RYR1 gene has not been reported previously as a pathogenic variant, nor as a benign variant, to our knowledge. The E1880Q variant is not observed in large population cohorts (Lek et al., 2016; 1000 Genomes Consortium et al., 2015; Exome Variant Server). The E1880Q variant is a semi-conservative amino acid substitution, which may impact secondary protein structure as these residues differ in some properties. This substitution occurs at a position that is not conserved. In silico analysis is inconsistent in its predictions as to whether or not the variant is damaging to the protein structure/function. We interpret E1880Q as a variant of uncertain significance.

NM_000540.3(RYR1):c.5638G>C (p.Glu1880Gln)

Gene: RYR1 (ryanodine receptor 1; plus strand). Cytogenetic location: 19q13.2.
Variant type: single nucleotide variant.
Coding change: c.5638G>C on transcript NM_000540.3 (MANE Select); coding-DNA position 5638, G replaced by C.
Protein change: p.Glu1880Gln; replaces glutamic acid 1880 with glutamine.
Molecular consequence: missense variant.
Genome position (GRCh38, 1-based): chr19:38,489,267, G>C. VCF-style: chr19-38489267-G-C. GRCh37 (hg19) VCF-style: chr19-38979907-G-C.
Other names: c.5638G>C, p.Glu1880Gln (NM_001042723.2); short protein forms E1880Q.
Identifiers: ClinVar variation 451560 (VCV000451560.2), dbSNP rs777733662, ClinGen allele CA405658241.